The following is an entry in ClinVar:

NM_001242957.3(MAK):c.1671A>G (p.Gln557=)

Gene: MAK (male germ cell associated kinase; minus strand). Cytogenetic location: 6p24.2.
Variant type: single nucleotide variant.
Coding change: c.1671A>G on transcript NM_001242957.3 (MANE Select); coding-DNA position 1671, A replaced by G.
Protein change: p.Gln557=; no amino-acid change (glutamine 557 retained).
Molecular consequence: synonymous variant. On other transcripts: intron variant (3).
Genome position (GRCh38, 1-based): chr6:10,773,035, T>C on the plus strand (A>G on the coding strand, the complement: MAK is on the minus strand). VCF-style: chr6-10773035-T-C. GRCh37 (hg19) VCF-style: chr6-10773268-T-C.
Other names: c.1495+2293A>G (NM_001377262.1); c.1597+2293A>G (NM_005906.6, NM_001242385.2); c.1671A>G (NM_001242957.2).
Identifiers: ClinVar variation 1058106 (VCV001058106.6), dbSNP rs552111002, ClinGen allele CA134100493.

ClinVar aggregate classification (germline): Uncertain significance. Review status: criteria provided, multiple submitters, no conflicts (2 of 4 stars). 2 submissions from 2 submitters: Uncertain significance (2). Last evaluated 2025-11-22.

Conditions:
MAK-related disorder. Also called: MAK-related condition.

Allele frequency attached by ClinVar (database versions not stated): gnomAD exomes 0.00003 and 0.00007; TOPMed 0.00005; gnomAD 0.00006.
gnomAD v4.1: 104 of 1,526,696 alleles (0.0068%); highest among the groups gnomAD compares: Non-Finnish European, 0.0084%; no homozygotes.

Submissions (2):

Labcorp Genetics (formerly Invitae), Labcorp
Classification: Uncertain significance. Last evaluated: 2025-11-22. Review status: criteria provided, single submitter. Criteria: Invitae Variant Classification Sherloc (09022015). Collection method: clinical testing. Allele origin: germline.
Comment: This sequence change affects codon 557 of the MAK mRNA. It is a 'silent' change, meaning that it does not change the encoded amino acid sequence of the MAK protein. It affects a nucleotide within the consensus splice site. This variant is present in population databases (rs552111002, gnomAD 0.009%). This variant has not been reported in the literature in individuals affected with MAK-related conditions. ClinVar contains an entry for this variant (Variation ID: 1058106). Algorithms developed to predict the effect of sequence changes on RNA splicing suggest that this variant may disrupt the consensus splice site. In summary, the available evidence is currently insufficient to determine the role of this variant in disease. Therefore, it has been classified as a Variant of Uncertain Significance.

PreventionGenetics, part of Exact Sciences
Classification: Uncertain significance for MAK-related condition. Last evaluated: 2025-05-13. Review status: criteria provided, single submitter. Criteria: ACMG Guidelines, 2015. Collection method: clinical testing. Allele origin: germline.
Comment: The MAK c.1671A>G variant is not predicted to result in an amino acid change (p.=). This variant is predicted to alter splicing based on available splicing prediction programs (SpliceAI, Jaganathan et al. 2019. PubMed ID: 30661751). However, the use of computer prediction programs is not equivalent to functional evidence. To our knowledge, this variant has not been reported in the literature. This variant is reported in 0.0088% of alleles in individuals of European (Non-Finnish) descent in gnomAD. At this time, the clinical significance of this variant is uncertain due to the absence of conclusive functional and genetic evidence.